The following is an entry in ClinVar:

NM_001278512.2(AP3B2):c.3226_3230delinsCCCCG (p.Ala1076_Gln1077delinsProArg)

Genes: AP3B2 (adaptor related protein complex 3 subunit beta 2; minus strand), CPEB1-AS1 (CPEB1 antisense RNA 1; plus strand). Cytogenetic location: 15q25.2.
Variant type: Indel.
Coding change: c.3226_3230delinsCCCCG on transcript NM_001278512.2 (MANE Select); coding-DNA positions 3226 to 3230, GCCCA replaced by CCCCG.
Protein change: p.Ala1076_Gln1077delinsProArg.
Molecular consequence: missense variant.
Genome position (GRCh38, 1-based): chr15:82,659,636-82,659,640, TGGGC replaced by CGGGG on the plus strand (GCCCA replaced by CCCCG on the coding strand, the reverse complement: AP3B2 is on the minus strand). VCF-style: chr15-82659636-TGGGC-CGGGG. GRCh37 (hg19) VCF-style: chr15-83328388-TGGGC-CGGGG.
Other names: c.3073_3077delinsCCCCG, p.Ala1025_Gln1026delinsProArg (NM_001278511.2); c.358_362delinsCCCCG, p.Ala120_Gln121delinsProArg (NM_001348441.2); c.3169_3173delinsCCCCG, p.Ala1057_Gln1058delinsProArg (NM_004644.5).
Identifiers: ClinVar variation 1303217 (VCV001303217.3), dbSNP rs2151425049, ClinGen allele CA2573054111.

ClinVar aggregate classification (germline): Uncertain significance (1 of 4 stars; one submission).

Submission:

GeneDx
Classification: Uncertain significance. Last evaluated: 2025-03-13. Review status: criteria provided, single submitter. Criteria: GeneDx Variant Classification Process June 2021. Collection method: clinical testing. Allele origin: germline. Affected: yes.
Comment: Not observed at a significant frequency in large population cohorts (gnomAD); In silico analysis, which includes protein predictors and evolutionary conservation, supports a deleterious effect; Has not been previously published as pathogenic or benign to our knowledge